The following is an entry in ClinVar:

NM_001318852.2(MAPK8IP3):c.1497AGA[1] (p.Glu501del)

Gene: MAPK8IP3 (mitogen-activated protein kinase 8 interacting protein 3; plus strand). Cytogenetic location: 16p13.3.
Variant type: Microsatellite.
Coding change: c.1497AGA[1] on transcript NM_001318852.2 (MANE Select); one copy of the 3-base unit AGA starting at c.1497; the reference has two copies in a row; one copy, 3 bases deleted.
Protein change: p.Glu501del; deletes glutamic acid 501.
Molecular consequence: inframe deletion. On other transcripts: inframe indel (1).
Genome position (GRCh38, 1-based): chr16:1,761,266-1,761,268, AGA deleted; deleting any 3 consecutive bases within chr16:1,761,262-1,761,268 gives the same sequence; the position shown is the placement nearest the transcript's 3' end. VCF-style (leftmost placement, unchanged base first): chr16-1761261-AAAG-A. GRCh37 (hg19) VCF-style: chr16-1811262-AAAG-A.
Other names: c.1476AGA[1], p.Glu494del (NM_001040439.2); c.1494AGA[1], p.Glu500del (NM_015133.5); c.1494_1496AGA[1], p.Glu500del (NM_033392.3); short protein forms E494del, E500del, E501del.
Identifiers: ClinVar variation 2429646 (VCV002429646.1), dbSNP rs2041918309, ClinGen allele CA973762894.
Genomic context (GRCh38, chr16:1,761,261, plus strand): 5'-CTGCCTCCTTCCCCTTCCCACAGAGTGAAGTCCGAGGCCATCATCGCCCGCCGTGAACCC[AAAG>A]AAGAGGCGGAGGATGTAAGCAGCTATCTCTGTACAGAATCGGTACATCCACTCTTCACTC-3'

ClinVar aggregate classification (germline): Uncertain significance (1 of 4 stars; one submission).

Submission:

GeneDx
Classification: Uncertain significance. Last evaluated: 2022-08-12. Review status: criteria provided, single submitter. Criteria: GeneDx Variant Classification Process June 2021. Collection method: clinical testing. Allele origin: germline. Affected: yes.
Comment: Not observed at significant frequency in large population cohorts (gnomAD); In-frame deletion of 1 amino acid in a non-repeat region; In silico analysis supports a deleterious effect on protein structure/function; Has not been previously published as pathogenic or benign to our knowledge